The following is an entry in ClinVar:

NM_000212.3(ITGB3):c.2062G>A (p.Asp688Asn)

Gene: ITGB3 (integrin subunit beta 3; plus strand). Cytogenetic location: 17q21.32.
Variant type: single nucleotide variant.
Coding change: c.2062G>A on transcript NM_000212.3 (MANE Select); coding-DNA position 2062, G replaced by A.
Protein change: p.Asp688Asn; replaces aspartic acid 688 with asparagine.
Molecular consequence: missense variant.
Genome position (GRCh38, 1-based): chr17:47,302,768, G>A. VCF-style: chr17-47302768-G-A. GRCh37 (hg19) VCF-style: chr17-45380134-G-A.
Other names: short protein forms D688N.
Identifiers: ClinVar variation 4777669 (VCV004777669.1).

ClinVar aggregate classification (germline): Uncertain significance (1 of 4 stars; one submission).

gnomAD v4.1: 7 of 1,614,094 alleles (0.00043%); highest among the groups gnomAD compares: Non-Finnish European, 0.00059%; no homozygotes.

Submission:

Labcorp Genetics (formerly Invitae), Labcorp
Classification: Uncertain significance. Last evaluated: 2025-12-06. Review status: criteria provided, single submitter. Criteria: Invitae Variant Classification Sherloc (09022015). Collection method: clinical testing. Allele origin: germline.
Comment: This sequence change replaces aspartic acid, which is acidic and polar, with asparagine, which is neutral and polar, at codon 688 of the ITGB3 protein (p.Asp688Asn). This variant is present in population databases (rs761100281, gnomAD 0.003%). This variant has not been reported in the literature in individuals affected with ITGB3-related conditions. Invitae Evidence Modeling of protein sequence and biophysical properties (such as structural, functional, and spatial information, amino acid conservation, physicochemical variation, residue mobility, and thermodynamic stability) indicates that this missense variant is not expected to disrupt ITGB3 protein function with a negative predictive value of 80%. In summary, the available evidence is currently insufficient to determine the role of this variant in disease. Therefore, it has been classified as a Variant of Uncertain Significance.